The following is an entry in ClinVar:

ClinVar aggregate classification (germline): Conflicting classifications of pathogenicity. Review status: criteria provided, conflicting classifications (1 of 4 stars). 7 submissions from 7 submitters: Uncertain significance (6); Likely benign (1). Last evaluated 2026-10-01.

Conditions:
Neurofibromatosis, type 1 (NF1). Also called: NEUROFIBROMATOSIS, TYPE I, SOMATIC; Neurofibromatosis, type I; Peripheral type neurofibromatosis; VON RECKLINGHAUSEN DISEASE. Identifiers: Orphanet 636, MedGen C0027831, MONDO:0018975, OMIM 162200. Disease mechanism: loss of function.
Hereditary cancer-predisposing syndrome. Also called: Hereditary neoplastic syndrome; Tumor predisposition; Neoplastic Syndromes, Hereditary; Hereditary Cancer Syndrome. Identifiers: Orphanet 140162, MedGen C0027672, MeSH D009386, MONDO:0015356.
Cardiovascular phenotype. Identifiers: MedGen CN230736.

Submissions (7):

St. Jude Molecular Pathology, St. Jude Children's Research Hospital
Classification: Uncertain significance for Neurofibromatosis, type 1. Last evaluated: 2026-10-01. Review status: criteria provided, single submitter. Criteria: St. Jude Assertion Criteria 2020. Collection method: clinical testing. Allele origin: germline.
Comment: The NF1 c.4058C>T p.(Ser1353Phe) missense change is absent in gnomAD v2.1.1. The in silico tool REVEL predicts a deleterious effect on protein function, but to our knowledge this prediction has not been confirmed by functional studies. To our knowledge, this variant has not been reported in individuals with Neurofibromatosis type 1. In summary, the evidence currently available is insufficient to determine the clin ical significance of this variant. It has therefore been classified as of uncertain significance.

Labcorp Genetics (formerly Invitae), Labcorp
Classification: Likely benign for Neurofibromatosis, type 1. Last evaluated: 2025-03-23. Review status: criteria provided, single submitter. Criteria: Invitae Variant Classification Sherloc (09022015). Collection method: clinical testing. Allele origin: germline.

Blueprint Genetics
Classification: Uncertain significance. Last evaluated: 2024-08-01. Review status: criteria provided, single submitter. Criteria: ACMG Guidelines, 2015. Collection method: clinical testing. Allele origin: germline.

Genome-Nilou Lab
Classification: Uncertain significance for Neurofibromatosis, type 1. Last evaluated: 2022-03-15. Review status: criteria provided, single submitter. Criteria: ACMG Guidelines, 2015. Collection method: clinical testing. Allele origin: germline. Affected: no.

Institute for Clinical Genetics, University Hospital TU Dresden, University Hospital TU Dresden
Classification: Uncertain significance. Last evaluated: 2021-11-03. Review status: criteria provided, single submitter. Criteria: ACMG Guidelines, 2015. Collection method: clinical testing. Allele origin: germline.

Ambry Genetics
Classification: Uncertain significance for Cardiovascular phenotype; Hereditary cancer-predisposing syndrome. Last evaluated: 2021-08-17. Review status: criteria provided, single submitter. Criteria: Ambry Variant Classification Scheme 2023. Collection method: clinical testing. Allele origin: germline.

GeneDx
Classification: Uncertain significance. Last evaluated: 2021-02-15. Review status: criteria provided, single submitter. Criteria: GeneDx Variant Classification Process June 2021. Collection method: clinical testing. Allele origin: germline. Affected: yes.
Comment: Not observed in large population cohorts (Lek et al., 2016); In silico analysis supports that this missense variant has a deleterious effect on protein structure/function; Has not been previously published as pathogenic or benign to our knowledge

NM_001042492.3(NF1):c.4058C>T (p.Ser1353Phe)

Gene: NF1 (neurofibromin 1; plus strand). Cytogenetic location: 17q11.2.
Variant type: single nucleotide variant.
Coding change: c.4058C>T on transcript NM_001042492.3 (MANE Select); coding-DNA position 4058, C replaced by T.
Protein change: p.Ser1353Phe; replaces serine 1353 with phenylalanine.
Molecular consequence: missense variant.
Genome position (GRCh38, 1-based): chr17:31,249,067, C>T. VCF-style: chr17-31249067-C-T. GRCh37 (hg19) VCF-style: chr17-29576085-C-T.
Other names: c.4058C>T, p.Ser1353Phe (NM_000267.4); c.4058C>T (NM_001042492.1); short protein forms S1353F.
Identifiers: ClinVar variation 481887 (VCV000481887.19), dbSNP rs1555617346, ClinGen allele CA398994996.
Genomic context (GRCh38, chr17:31,249,067, plus strand): 5'-AGGAAAACCAGCGGAACCTCCTTCAGATGACTGAAAAGTTCTTCCATGCCATCATCAGTT[C>T]CTCCTCAGAATTCCCCCCTCAACTTCGAAGTGTGTGCCACTGTTTATACCAGGTATGCTT-3'
Protein context (NP_001035957.1, residues 1343-1363): TEKFFHAIIS[Ser1353Phe]SSEFPPQLRS